The following is an entry in ClinVar:

ClinVar aggregate classification (germline): Pathogenic (1 of 4 stars; one submission).

Conditions:
GNPTAB-mucolipidosis. Also called: UDP-N-acetylglucosamine-1-phosphotransferase subunit alpha/beta deficiency. Identifiers: MedGen CN322573, MONDO:0100122.

Submission:

Myriad Genetics, Inc.
Classification: Pathogenic for GNPTAB-mucolipidosis. Last evaluated: 2026-01-16. Review status: criteria provided, single submitter. Criteria: Myriad Autosomal Dominant, Autosomal Recessive and X-Linked Classification Criteria (2023). Collection method: clinical testing. Allele origin: unknown.
Comment: NM_024312.4(GNPTAB):c.2947delC(H983Tfs*20) is expected to be pathogenic in the context of GNPTAB-related disorders. This variant is predicted to lead to an abnormal or absent protein product due to the creation of a premature termination codon in GNPTAB, a gene where loss-of-function variants are known to be pathogenic. Please note: this variant was assessed in the context of healthy population screening.

NM_024312.5(GNPTAB):c.2947del (p.His983fs)

Gene: GNPTAB (N-acetylglucosamine-1-phosphate transferase subunits alpha and beta; minus strand). Cytogenetic location: 12q23.2.
Variant type: Deletion.
Coding change: c.2947del on transcript NM_024312.5 (MANE Select); coding-DNA position 2947, one base deleted (C; older notation c.2947delC).
Protein change: p.His983fs; shifts the reading frame from histidine 983.
Molecular consequence: frameshift variant.
Genome position (GRCh38, 1-based): chr12:101,761,315, G deleted on the plus strand (C on the coding strand, the reverse complement: GNPTAB is on the minus strand). VCF-style (leftmost placement, unchanged base first): chr12-101761314-TG-T. GRCh37 (hg19) VCF-style: chr12-102155092-TG-T.
Other names: short protein forms H983fs.
Identifiers: ClinVar variation 5015428 (VCV005015428.1).